The following is an entry in ClinVar:

ClinVar aggregate classification (germline): Benign. Review status: criteria provided, multiple submitters, no conflicts (2 of 4 stars). 2 submissions from 2 submitters: Benign (2). Last evaluated 2018-01-13.

Conditions:
Exudative vitreoretinopathy 1 (EVR1). Also called: CRISWICK-SCHEPENS SYNDROME; FEVR, AUTOSOMAL DOMINANT; Familial exudative vitreoretinopathy, autosomal dominant. Identifiers: Orphanet 891, Orphanet 90050, MedGen C1851402, MONDO:0007589, OMIM 133780.

Allele frequency attached by ClinVar (database versions not stated): 1000 Genomes Project 30x 0.00812; 1000 Genomes Project 0.00919; gnomAD 0.01971 and 0.02078; gnomAD exomes 0.02030; TOPMed 0.02122.
gnomAD v4.1: 3,114 of 152,516 alleles (2%); highest among the groups gnomAD compares: Middle Eastern, 3.4%; 52 homozygotes.

Submissions (2):

Illumina Laboratory Services, Illumina
Classification: Benign for Exudative vitreoretinopathy 1. Last evaluated: 2018-01-13. Review status: criteria provided, single submitter. Criteria: ICSL Variant Classification Criteria 13 December 2019. Collection method: clinical testing. Allele origin: germline.
Comment: This variant was observed in the ICSL laboratory as part of a predisposition screen in an ostensibly healthy population. It had not been previously curated by ICSL or reported in the Human Gene Mutation Database (HGMD: prior to June 1st, 2018), and was therefore a candidate for classification through an automated scoring system. Utilizing variant allele frequency, disease prevalence and penetrance estimates, and inheritance mode, an automated score was calculated to assess if this variant is too frequent to cause the disease. Based on the score and internal cut-off values, a variant classified as benign is not then subjected to further curation. The score for this variant resulted in a classification of benign for this disease.

Breakthrough Genomics
Classification: Benign. Review status: criteria provided, single submitter. Criteria: ACMG Guidelines, 2015. Collection method: not provided. Allele origin: germline. Inheritance: Autosomal dominant inheritance. Affected: yes.

NM_012193.4(FZD4):c.*5077C>G

Genes: FZD4 (frizzled class receptor 4; minus strand), PRSS23 (serine protease 23; plus strand). Cytogenetic location: 11q14.2.
Variant type: single nucleotide variant.
Coding change: c.*5077C>G on transcript NM_012193.4 (MANE Select); 5077 bases downstream of the stop codon, C replaced by G.
Molecular consequence: 3 prime UTR variant.
Genome position (GRCh38, 1-based): chr11:86,946,065, G>C on the plus strand (C>G on the coding strand, the complement: FZD4 is on the minus strand). VCF-style: chr11-86946065-G-C. GRCh37 (hg19) VCF-style: chr11-86657107-G-C.
Identifiers: ClinVar variation 306329 (VCV000306329.6), dbSNP rs143372848, ClinGen allele CA10631657.